The following is an entry in ClinVar:

NM_024580.6(EFL1):c.2882T>A (p.Leu961Gln)

Gene: EFL1 (elongation factor like GTPase 1; minus strand). Cytogenetic location: 15q25.2.
Variant type: single nucleotide variant.
Coding change: c.2882T>A on transcript NM_024580.6 (MANE Select); coding-DNA position 2882, T replaced by A.
Protein change: p.Leu961Gln; replaces leucine 961 with glutamine.
Molecular consequence: missense variant. On other transcripts: non-coding transcript variant (1).
Genome position (GRCh38, 1-based): chr15:82,151,572, A>T on the plus strand (T>A on the coding strand, the complement: EFL1 is on the minus strand). VCF-style: chr15-82151572-A-T. GRCh37 (hg19) VCF-style: chr15-82443913-A-T.
Other names: c.2729T>A, p.Leu910Gln (NM_001040610.3); c.2093T>A, p.Leu698Gln (NM_001322844.2); c.2882T>A, p.Leu961Gln (NM_001322845.2); short protein forms L698Q, L961Q, L910Q.
Identifiers: ClinVar variation 2907921 (VCV002907921.1), dbSNP rs749534661, ClinGen allele CA7697687.

ClinVar aggregate classification (germline): Uncertain significance (1 of 4 stars; one submission).

Allele frequency attached by ClinVar (database versions not stated): TOPMed below 0.00001; gnomAD exomes 0.00004; ExAC 0.00011.
gnomAD v4.1: 61 of 1,614,146 alleles (0.0038%); highest among the groups gnomAD compares: South Asian, 0.058%; 2 homozygotes.

Submission:

Labcorp Genetics (formerly Invitae), Labcorp
Classification: Uncertain significance. Last evaluated: 2023-12-05. Review status: criteria provided, single submitter. Criteria: Invitae Variant Classification Sherloc (09022015). Collection method: clinical testing. Allele origin: germline.
Comment: This sequence change replaces leucine, which is neutral and non-polar, with glutamine, which is neutral and polar, at codon 961 of the EFL1 protein (p.Leu961Gln). This variant is present in population databases (rs749534661, gnomAD 0.06%), including at least one homozygous and/or hemizygous individual. This variant has not been reported in the literature in individuals affected with EFL1-related conditions. Advanced modeling of protein sequence and biophysical properties (such as structural, functional, and spatial information, amino acid conservation, physicochemical variation, residue mobility, and thermodynamic stability) performed at Invitae indicates that this missense variant is expected to disrupt EFL1 protein function with a positive predictive value of 80%. In summary, the available evidence is currently insufficient to determine the role of this variant in disease. Therefore, it has been classified as a Variant of Uncertain Significance.